The following is an entry in ClinVar:

NM_002528.7(NTHL1):c.62C>G (p.Pro21Arg)

Gene: NTHL1 (nth like DNA glycosylase 1; minus strand). Cytogenetic location: 16p13.3.
Variant type: single nucleotide variant.
Coding change: c.62C>G on transcript NM_002528.7 (MANE Select); coding-DNA position 62, C replaced by G.
Protein change: p.Pro21Arg; replaces proline 21 with arginine.
Molecular consequence: missense variant. On other transcripts: 5 prime UTR variant (1).
Genome position (GRCh38, 1-based): chr16:2,047,762, G>C on the plus strand (C>G on the coding strand, the complement: NTHL1 is on the minus strand). VCF-style: chr16-2047762-G-C. GRCh37 (hg19) VCF-style: chr16-2097763-G-C.
Other names: c.86C>G (NM_002528.5); c.62C>G, p.Pro21Arg (NM_001318193.2); c.-117C>G (NM_001318194.2); short protein forms P21R.
Identifiers: ClinVar variation 1409511 (VCV001409511.7), dbSNP rs753200685, ClinGen allele CA394298436.

ClinVar aggregate classification (germline): Conflicting classifications of pathogenicity. Review status: criteria provided, conflicting classifications (1 of 4 stars). 2 submissions from 2 submitters: Uncertain significance (1); Likely benign (1). Last evaluated 2024-12-05.

Conditions:
Hereditary cancer-predisposing syndrome. Also called: Hereditary Cancer Syndrome; Tumor predisposition; Hereditary neoplastic syndrome; Neoplastic Syndromes, Hereditary. Identifiers: Orphanet 140162, MedGen C0027672, MeSH D009386, MONDO:0015356.

Submissions (2):

Ambry Genetics
Classification: Likely benign for Hereditary cancer-predisposing syndrome. Last evaluated: 2024-12-05. Review status: criteria provided, single submitter. Criteria: Ambry Variant Classification Scheme 2023. Collection method: clinical testing. Allele origin: germline.

Labcorp Genetics (formerly Invitae), Labcorp
Classification: Uncertain significance. Last evaluated: 2023-05-22. Review status: criteria provided, single submitter. Criteria: Invitae Variant Classification Sherloc (09022015). Collection method: clinical testing. Allele origin: germline.
Comment: In summary, the available evidence is currently insufficient to determine the role of this variant in disease. Therefore, it has been classified as a Variant of Uncertain Significance. An algorithm developed to predict the effect of missense changes on protein structure and function (PolyPhen-2) suggests that this variant is likely to be tolerated. ClinVar contains an entry for this variant (Variation ID: 1409511). This variant has not been reported in the literature in individuals affected with NTHL1-related conditions. This variant is not present in population databases (gnomAD no frequency). This sequence change replaces proline, which is neutral and non-polar, with arginine, which is basic and polar, at codon 29 of the NTHL1 protein (p.Pro29Arg).